The following is an entry in ClinVar:

NM_000124.4(ERCC6):c.1659G>T (p.Lys553Asn)

Gene: ERCC6 (ERCC excision repair 6, chromatin remodeling factor; minus strand). Cytogenetic location: 10q11.23.
Variant type: single nucleotide variant.
Coding change: c.1659G>T on transcript NM_000124.4 (MANE Select); coding-DNA position 1659, G replaced by T.
Protein change: p.Lys553Asn; replaces lysine 553 with asparagine.
Molecular consequence: missense variant.
Genome position (GRCh38, 1-based): chr10:49,500,564, C>A on the plus strand (G>T on the coding strand, the complement: ERCC6 is on the minus strand). VCF-style: chr10-49500564-C-A. GRCh37 (hg19) VCF-style: chr10-50708610-C-A.
Other names: c.1659G>T, p.Lys553Asn (NM_001346440.2); short protein forms K553N.
Identifiers: ClinVar variation 190151 (VCV000190151.18), dbSNP rs116373975, ClinGen allele CA199578.

ClinVar aggregate classification (germline): Uncertain significance. Review status: criteria provided, multiple submitters, no conflicts (2 of 4 stars). 12 submissions from 10 submitters: Uncertain significance (11). 1 of the submissions does not count toward it. Last evaluated 2024-10-25.

Conditions:
ERCC6-related disorder. Also called: ERCC6-related condition; ERCC6-related disorders. Identifiers: MedGen CN239385.
Cerebrooculofacioskeletal syndrome 1 (COFS1). Also called: Cerebro-oculo-facio-skeletal syndrome 1. Identifiers: MedGen C0220722, MONDO:0008955, OMIM 214150.
DE SANCTIS-CACCHIONE SYNDROME. Identifiers: MedGen C0265201, MONDO:0010217, OMIM 278800.
Lung cancer. Also called: Lung cancer, somatic; Malignant tumor of lung. Identifiers: MedGen C0242379, MONDO:0008903, OMIM 211980.
Premature ovarian failure 11 (POF11). Identifiers: MedGen C4310783, MONDO:0014843, OMIM 616946.
UV-sensitive syndrome 1 (UVSS1). Identifiers: Orphanet 178338, MedGen C3551173, MONDO:0010909, OMIM 600630.
Cockayne syndrome type 2 (CSB). Also called: Cockayne Syndrome, Type II; COCKAYNE SYNDROME B. Identifiers: Orphanet 191, Orphanet 90322, MedGen C0751038, MONDO:0019570, OMIM 133540.
Age related macular degeneration 5. Identifiers: MedGen C3151063, MONDO:0013409, OMIM 613761.

Allele frequency attached by ClinVar (database versions not stated): 1000 Genomes Project 0.00060; gnomAD 0.00013 and 0.00015; TOPMed 0.00017; ExAC 0.00022; 1000 Genomes Project 30x 0.00047.
gnomAD v4.1: 288 of 1,613,944 alleles (0.018%); highest among the groups gnomAD compares: Middle Eastern, 0.78%; 3 homozygotes.

Submissions (12):

Blueprint Genetics
Classification: Uncertain significance. Last evaluated: 2024-10-25. Review status: criteria provided, single submitter. Criteria: ACMG Guidelines, 2015. Collection method: clinical testing. Allele origin: germline.

Labcorp Genetics (formerly Invitae), Labcorp
Classification: Uncertain significance. Last evaluated: 2022-10-31. Review status: criteria provided, single submitter. Criteria: Invitae Variant Classification Sherloc (09022015). Collection method: clinical testing. Allele origin: germline.
Comment: This sequence change replaces lysine, which is basic and polar, with asparagine, which is neutral and polar, at codon 553 of the ERCC6 protein (p.Lys553Asn). This variant is present in population databases (rs116373975, gnomAD 0.03%). This variant has not been reported in the literature in individuals affected with ERCC6-related conditions. ClinVar contains an entry for this variant (Variation ID: 190151). Advanced modeling of protein sequence and biophysical properties (such as structural, functional, and spatial information, amino acid conservation, physicochemical variation, residue mobility, and thermodynamic stability) has been performed at Invitae for this missense variant, however the output from this modeling did not meet the statistical confidence thresholds required to predict the impact of this variant on ERCC6 protein function. In summary, the available evidence is currently insufficient to determine the role of this variant in disease. Therefore, it has been classified as a Variant of Uncertain Significance.

Fulgent Genetics
Classification: Uncertain significance for Cockayne syndrome type 2; Lung cancer; Cerebrooculofacioskeletal syndrome 1; DE SANCTIS-CACCHIONE SYNDROME; UV-sensitive syndrome 1; Age related macular degeneration 5; Premature ovarian failure 11. Last evaluated: 2022-05-18. Review status: criteria provided, single submitter. Criteria: ACMG Guidelines, 2015. Collection method: clinical testing. Allele origin: unknown.

Department of Pathology and Laboratory Medicine, Sinai Health System
Classification: Uncertain significance for Cockayne syndrome type 2; Lung cancer; Cerebrooculofacioskeletal syndrome 1; DE SANCTIS-CACCHIONE SYNDROME; UV-sensitive syndrome 1; Premature ovarian failure 11. Last evaluated: 2020-05-30. Review status: criteria provided, single submitter. Criteria: ACMG Guidelines, 2015. Collection method: research. Allele origin: germline.

Illumina Laboratory Services, Illumina
Classification: Uncertain significance for Cockayne syndrome type 2. Last evaluated: 2018-01-13. Review status: criteria provided, single submitter. Criteria: ICSL Variant Classification Criteria 13 December 2019. Collection method: clinical testing. Allele origin: germline.

Illumina Laboratory Services, Illumina
Classification: Uncertain significance for Age related macular degeneration 5. Last evaluated: 2018-01-13. Review status: criteria provided, single submitter. Criteria: ICSL Variant Classification Criteria 13 December 2019. Collection method: clinical testing. Allele origin: germline.

Illumina Laboratory Services, Illumina
Classification: Uncertain significance for Cerebrooculofacioskeletal syndrome 1. Last evaluated: 2018-01-13. Review status: criteria provided, single submitter. Criteria: ICSL Variant Classification Criteria 13 December 2019. Collection method: clinical testing. Allele origin: germline.

GeneDx
Classification: Uncertain significance. Last evaluated: 2017-02-13. Review status: criteria provided, single submitter. Criteria: GeneDx Variant Classification (06012015). Collection method: clinical testing. Allele origin: germline. Affected: yes.
Comment: The K553N variant in the ERCC6 gene has not been reported previously as a pathogenic variant, nor as a benign variant, to our knowledge. The K553N variant was not observed in approximately 6,500 individuals of European and African American ancestry in the NHLBI Exome Sequencing Project, indicating it is not a common benign variant in these populations. The K553N variant is a semi-conservative amino acid substitution, which may impact secondary protein structure as these residues differ in some properties. This substitution occurs at a position where amino acids with similar properties to lysine are tolerated across species. In silico analysis is inconsistent in its predictions as to whether or not the variant is damaging to the protein structure/function. We interpret K553N as a variant of uncertain significance.

Eurofins Ntd Llc (ga)
Classification: Uncertain significance. Last evaluated: 2015-12-22. Review status: criteria provided, single submitter. Criteria: EGL Classification Definitions 2015. Collection method: clinical testing. Allele origin: germline. Observed: 2 variant alleles, 2 heterozygotes.

Claritas Genomics
Classification: Uncertain significance. Last evaluated: 2013-07-29. Review status: criteria provided, single submitter. Criteria: ACMG Guidelines, 2007. Collection method: clinical testing. Allele origin: germline. Inheritance: Autosomal recessive inheritance.

Breakthrough Genomics
Classification: Uncertain significance. Review status: criteria provided, single submitter. Criteria: ACMG Guidelines, 2015. Collection method: not provided. Allele origin: germline. Inheritance: Autosomal recessive inheritance. Affected: yes.

PreventionGenetics, part of Exact Sciences
Classification: Uncertain significance for ERCC6-related condition. Last evaluated: 2023-11-17. Review status: no assertion criteria provided. Collection method: clinical testing. Allele origin: germline. Not counted in ClinVar's aggregate classification.
Comment: The ERCC6 c.1659G>T variant is predicted to result in the amino acid substitution p.Lys553Asn. To our knowledge, this variant has not been reported in the literature. This variant is reported in 0.037% of alleles in individuals of Latino descent in gnomAD. At this time, the clinical significance of this variant is uncertain due to the absence of conclusive functional and genetic evidence.